The following is an entry in ClinVar:

ClinVar aggregate classification (germline): Uncertain significance (1 of 4 stars; one submission).

Submission:

CeGaT Center for Human Genetics Tuebingen
Classification: Uncertain significance. Last evaluated: 2025-04-01. Review status: criteria provided, single submitter. Criteria: CeGaT Center For Human Genetics Tuebingen Variant Classification Criteria Version 2. Collection method: clinical testing. Allele origin: germline. Affected: yes. Observed: 1 variant allele.
Comment: CHD1: PM2

NM_001270.4(CHD1):c.860C>T (p.Ala287Val)

Gene: CHD1 (chromodomain helicase DNA binding protein 1; minus strand). Cytogenetic location: 5q15.
Variant type: single nucleotide variant.
Coding change: c.860C>T on transcript NM_001270.4 (MANE Select); coding-DNA position 860, C replaced by T.
Protein change: p.Ala287Val; replaces alanine 287 with valine.
Molecular consequence: missense variant. On other transcripts: non-coding transcript variant (2).
Genome position (GRCh38, 1-based): chr5:98,899,705, G>A on the plus strand (C>T on the coding strand, the complement: CHD1 is on the minus strand). VCF-style: chr5-98899705-G-A. GRCh37 (hg19) VCF-style: chr5-98235409-G-A.
Other names: c.860C>T, p.Ala287Val (NM_001364113.3, NM_001376194.2); short protein forms A287V.
Identifiers: ClinVar variation 3898575 (VCV003898575.7).
Genomic context (GRCh38, chr5:98,899,705, plus strand): 5'-AAGCCTGCATTTGGGTCACCATCTGCTTCAACTGCATAGATGGTTGTAGTAGCACCAGTA[G>A]CTGAAAACAAAAGCACAAGATCCTTCCATGTAATTAATTCTGTTGTAGGATTATATTTCA-3'
Protein context (NP_001261.2, residues 277-297): FMDCRIGRKG[Ala287Val]TGATTTIYAV